The following is an entry in ClinVar:

ClinVar aggregate classification (germline): Uncertain significance (1 of 4 stars; one submission).

Conditions:
Hereditary cancer-predisposing syndrome. Also called: Neoplastic Syndromes, Hereditary; Tumor predisposition; Hereditary Cancer Syndrome; Hereditary neoplastic syndrome. Identifiers: Orphanet 140162, MedGen C0027672, MeSH D009386, MONDO:0015356.

Submission:

Ambry Genetics
Classification: Uncertain significance for Hereditary cancer-predisposing syndrome. Last evaluated: 2025-12-12. Review status: criteria provided, single submitter. Criteria: Ambry Variant Classification Scheme 2023. Collection method: clinical testing. Allele origin: germline.
Comment: The p.G477S variant (also known as c.1429G>A), located in coding exon 7 of the ALK gene, results from a G to A substitution at nucleotide position 1429. The glycine at codon 477 is replaced by serine, an amino acid with similar properties. This amino acid position is conserved. In addition, this alteration is predicted to be tolerated by in silico analysis. Based on the available evidence, the clinical significance of this variant remains unclear.

NM_004304.5(ALK):c.1429G>A (p.Gly477Ser)

Gene: ALK (ALK receptor tyrosine kinase; minus strand). Cytogenetic location: 2p23.2.
Variant type: single nucleotide variant.
Coding change: c.1429G>A on transcript NM_004304.5 (MANE Select); coding-DNA position 1429, G replaced by A.
Protein change: p.Gly477Ser; replaces glycine 477 with serine.
Molecular consequence: missense variant.
Genome position (GRCh38, 1-based): chr2:29,320,868, C>T on the plus strand (G>A on the coding strand, the complement: ALK is on the minus strand). VCF-style: chr2-29320868-C-T. GRCh37 (hg19) VCF-style: chr2-29543734-C-T.
Other names: short protein forms G477S.
Identifiers: ClinVar variation 4664738 (VCV004664738.1).